The following is an entry in ClinVar:

ClinVar aggregate classification (germline): Uncertain significance (1 of 4 stars; one submission).

Allele frequency attached by ClinVar (database versions not stated): gnomAD exomes below 0.00001; ExAC 0.00001.
gnomAD v4.1: 4 of 1,607,816 alleles (0.00025%); highest among the groups gnomAD compares: South Asian, 0.0044%; no homozygotes.

Submission:

Labcorp Genetics (formerly Invitae), Labcorp
Classification: Uncertain significance. Last evaluated: 2022-04-02. Review status: criteria provided, single submitter. Criteria: Invitae Variant Classification Sherloc (09022015). Collection method: clinical testing. Allele origin: germline.
Comment: This sequence change replaces serine, which is neutral and polar, with alanine, which is neutral and non-polar, at codon 895 of the PCLO protein (p.Ser895Ala). This variant is present in population databases (rs762086904, gnomAD 0.007%). This variant has not been reported in the literature in individuals affected with PCLO-related conditions. Algorithms developed to predict the effect of missense changes on protein structure and function are either unavailable or do not agree on the potential impact of this missense change (SIFT: "Tolerated"; PolyPhen-2: "Not Available"; Align-GVGD: "Class C0"). In summary, the available evidence is currently insufficient to determine the role of this variant in disease. Therefore, it has been classified as a Variant of Uncertain Significance.

NM_033026.6(PCLO):c.2683T>G (p.Ser895Ala)

Gene: PCLO (piccolo presynaptic cytomatrix protein; minus strand). Cytogenetic location: 7q21.11.
Variant type: single nucleotide variant.
Coding change: c.2683T>G on transcript NM_033026.6 (MANE Select); coding-DNA position 2683, T replaced by G.
Protein change: p.Ser895Ala; replaces serine 895 with alanine.
Molecular consequence: missense variant.
Genome position (GRCh38, 1-based): chr7:83,134,867, A>C on the plus strand (T>G on the coding strand, the complement: PCLO is on the minus strand). VCF-style: chr7-83134867-A-C. GRCh37 (hg19) VCF-style: chr7-82764183-A-C.
Other names: c.2683T>G, p.Ser895Ala (NM_014510.3); short protein forms S895A.
Identifiers: ClinVar variation 2186665 (VCV002186665.4), dbSNP rs762086904, ClinGen allele CA4321223.